The following is an entry in ClinVar:

ClinVar aggregate classification (germline): Uncertain significance (1 of 4 stars; one submission).

Conditions:
Inborn genetic diseases. Identifiers: MedGen C0950123, MeSH D030342.

Submission:

Ambry Genetics
Classification: Uncertain significance for Inborn genetic diseases. Last evaluated: 2025-02-02. Review status: criteria provided, single submitter. Criteria: Ambry Variant Classification Scheme 2023. Collection method: clinical testing. Allele origin: germline.
Comment: The p.A465V variant (also known as c.1394C>T), located in coding exon 10 of the BMPR2 gene, results from a C to T substitution at nucleotide position 1394. The alanine at codon 465 is replaced by valine, an amino acid with similar properties. This amino acid position is conserved. In addition, the in silico prediction for this alteration is inconclusive. Based on the available evidence, the clinical significance of this variant remains unclear.

NM_001204.7(BMPR2):c.1394C>T (p.Ala465Val)

Gene: BMPR2 (bone morphogenetic protein receptor type 2; plus strand). Cytogenetic location: 2q33.2.
Variant type: single nucleotide variant.
Coding change: c.1394C>T on transcript NM_001204.7 (MANE Select); coding-DNA position 1394, C replaced by T.
Protein change: p.Ala465Val; replaces alanine 465 with valine.
Molecular consequence: missense variant.
Genome position (GRCh38, 1-based): chr2:202,542,428, C>T. VCF-style: chr2-202542428-C-T. GRCh37 (hg19) VCF-style: chr2-203407151-C-T.
Other names: short protein forms A465V.
Identifiers: ClinVar variation 3824728 (VCV003824728.1).